The following is an entry in ClinVar:

NM_024675.4(PALB2):c.3432C>A (p.Leu1144=)

Gene: PALB2 (partner and localizer of BRCA2; minus strand). Cytogenetic location: 16p12.2.
Variant type: single nucleotide variant.
Coding change: c.3432C>A on transcript NM_024675.4 (MANE Select); coding-DNA position 3432, C replaced by A.
Protein change: p.Leu1144=; no amino-acid change (leucine 1144 retained).
Molecular consequence: synonymous variant.
Genome position (GRCh38, 1-based): chr16:23,603,588, G>T on the plus strand (C>A on the coding strand, the complement: PALB2 is on the minus strand). VCF-style: chr16-23603588-G-T. GRCh37 (hg19) VCF-style: chr16-23614909-G-T.
Identifiers: ClinVar variation 681706 (VCV000681706.39), dbSNP rs748363227, ClinGen allele CA494173655.
Genomic context (GRCh38, chr16:23,603,588, plus strand): 5'-CCATTTCACAAAAGACCAATGTTGGTCAGAGACAGGTGGGAGGAGGGCAGTACACTGACC[G>T]AGAAGTAAGTCCCAAATGGCAATTGTTCCAGAAGTCAAGATTGCTGCTGCACAGTGATCT-3'
Protein context (NP_078951.2, residues 1134-1154): SGTIAIWDLL[Leu1144=]GQCTALLPPV

ClinVar aggregate classification (germline): Benign/Likely benign. Review status: criteria provided, multiple submitters, no conflicts (2 of 4 stars). 7 submissions from 7 submitters: Benign (1); Likely benign (6). Last evaluated 2026-06-24.

Conditions:
PALB2-related disorder. Also called: PALB2-related disorders; PALB2-related condition.
Familial cancer of breast. Also called: hereditary breast carcinoma; Hereditary breast cancer; BREAST CANCER, FAMILIAL. Identifiers: Orphanet 227535, MedGen C0346153, MONDO:0016419, OMIM 114480. Disease mechanism: loss of function.
Hereditary cancer-predisposing syndrome. Also called: Neoplastic Syndromes, Hereditary; Tumor predisposition; Hereditary neoplastic syndrome; Hereditary Cancer Syndrome. Identifiers: Orphanet 140162, MedGen C0027672, MeSH D009386, MONDO:0015356.

gnomAD v4.1: 1 of 1,614,090 alleles (0.000062%); highest among the groups gnomAD compares: Non-Finnish European, 0.000085%; no homozygotes.

Submissions (7):

PreventionGenetics, part of Exact Sciences
Classification: Likely benign for PALB2-related condition. Last evaluated: 2026-06-24. Review status: criteria provided, single submitter. Criteria: ACMG Guidelines, 2015. Collection method: clinical testing. Allele origin: germline.
Comment: This variant is classified as likely benign based on ACMG/AMP sequence variant interpretation guidelines (Richards et al. 2015 PMID: 25741868, with internal and published modifications).

Myriad Genetics, Inc.
Classification: Benign for Familial cancer of breast. Last evaluated: 2025-01-22. Review status: criteria provided, single submitter. Criteria: Myriad Autosomal Dominant, Autosomal Recessive and X-Linked Classification Criteria (2023). Collection method: clinical testing. Allele origin: unknown.
Comment: This variant is considered benign. This variant is a silent/synonymous amino acid change and it is not expected to impact splicing.

Labcorp Genetics (formerly Invitae), Labcorp
Classification: Likely benign for Familial cancer of breast. Last evaluated: 2024-02-19. Review status: criteria provided, single submitter. Criteria: Invitae Variant Classification Sherloc (09022015). Collection method: clinical testing. Allele origin: germline.

CeGaT Center for Human Genetics Tuebingen
Classification: Likely benign. Last evaluated: 2023-08-01. Review status: criteria provided, single submitter. Criteria: CeGaT Center For Human Genetics Tuebingen Variant Classification Criteria Version 2. Collection method: clinical testing. Allele origin: germline. Affected: yes. Observed: 1 variant allele.
Comment: PALB2: PM2:Supporting, BP4, BP7

Ambry Genetics
Classification: Likely benign for Hereditary cancer-predisposing syndrome. Last evaluated: 2021-04-22. Review status: criteria provided, single submitter. Criteria: Ambry Variant Classification Scheme 2023. Collection method: clinical testing. Allele origin: germline.

Color Diagnostics, LLC DBA Color Health
Classification: Likely benign for Hereditary cancer-predisposing syndrome. Last evaluated: 2020-02-03. Review status: criteria provided, single submitter. Criteria: ACMG Guidelines, 2015. Collection method: clinical testing. Allele origin: germline.

GeneDx
Classification: Likely benign. Last evaluated: 2018-04-03. Review status: criteria provided, single submitter. Criteria: GeneDx Variant Classification (06012015). Collection method: clinical testing. Allele origin: germline. Affected: yes.
Comment: This variant is considered likely benign or benign based on one or more of the following criteria: it is a conservative change, it occurs at a poorly conserved position in the protein, it is predicted to be benign by multiple in silico algorithms, and/or has population frequency not consistent with disease.